The following is an entry in ClinVar:

NM_000059.4(BRCA2):c.251A>T (p.Gln84Leu)

Gene: BRCA2 (BRCA2 DNA repair associated; plus strand). Cytogenetic location: 13q13.1.
Variant type: single nucleotide variant.
Coding change: c.251A>T on transcript NM_000059.4 (MANE Select); coding-DNA position 251, A replaced by T.
Protein change: p.Gln84Leu; replaces glutamine 84 with leucine.
Molecular consequence: missense variant. On other transcripts: 5 prime UTR variant (1), non-coding transcript variant (1).
Genome position (GRCh38, 1-based): chr13:32,319,260, A>T. VCF-style: chr13-32319260-A-T. GRCh37 (hg19) VCF-style: chr13-32893397-A-T.
Other names: c.251A>T, p.Gln84Leu (NM_001406719.1, NM_001406720.1, NM_001406721.1); c.-119A>T (NM_001406722.1); short protein forms Q84L.
Identifiers: ClinVar variation 2766985 (VCV002766985.3), dbSNP rs2138705304, ClinGen allele CA387754546.

ClinVar aggregate classification (germline): Uncertain significance (1 of 4 stars; one submission).

Conditions:
Hereditary breast ovarian cancer syndrome. Also called: Hereditary breast and ovarian cancer syndrome; Hereditary breast and/or ovarian cancer syndrome; BRCA1- and BRCA2-Associated Hereditary Breast and Ovarian Cancer; Hereditary breast and ovarian cancer; Breast and ovarian cancer; Hereditary breast and ovarian cancer syndrome (HBOC). Identifiers: Orphanet 145, MedGen C0677776, MeSH D061325, MONDO:0003582. Disease mechanism: loss of function.

Submission:

Labcorp Genetics (formerly Invitae), Labcorp
Classification: Uncertain significance for Hereditary breast ovarian cancer syndrome. Last evaluated: 2023-10-08. Review status: criteria provided, single submitter. Criteria: Invitae Variant Classification Sherloc (09022015). Collection method: clinical testing. Allele origin: germline.
Comment: This sequence change replaces glutamine, which is neutral and polar, with leucine, which is neutral and non-polar, at codon 84 of the BRCA2 protein (p.Gln84Leu). This variant is not present in population databases (gnomAD no frequency). This variant has not been reported in the literature in individuals affected with BRCA2-related conditions. Advanced modeling of protein sequence and biophysical properties (such as structural, functional, and spatial information, amino acid conservation, physicochemical variation, residue mobility, and thermodynamic stability) performed at Invitae indicates that this missense variant is not expected to disrupt BRCA2 protein function. In summary, the available evidence is currently insufficient to determine the role of this variant in disease. Therefore, it has been classified as a Variant of Uncertain Significance.